The following is an entry in ClinVar:

ClinVar aggregate classification (germline): Conflicting classifications of pathogenicity. Review status: criteria provided, conflicting classifications (1 of 4 stars). 2 submissions from 1 submitter: Uncertain significance (1); Benign (1). Last evaluated 2018-01-12.

Conditions:
3-Methylglutaconic aciduria type 3 (MGCA3). Also called: OPA3, AUTOSOMAL RECESSIVE; OPTIC ATROPHY 3, AUTOSOMAL RECESSIVE; Costeff Syndrome; OPA3-Related 3-Methylglutaconic Aciduria. Identifiers: Orphanet 67047, MedGen C0574084, MONDO:0009787, OMIM 258501.
Optic atrophy 3 (OPA3). Also called: OPTIC ATROPHY 3, AUTOSOMAL DOMINANT; Optic atrophy, cataract, and neurologic disorder; Optic atrophy 3 with cataract. Identifiers: Orphanet 67036, MedGen C1833809, MONDO:0008133, OMIM 165300.

Allele frequency attached by ClinVar (database versions not stated): gnomAD exomes 0.00020; gnomAD 0.00143 and 0.00156; 1000 Genomes Project 30x 0.00156; 1000 Genomes Project 0.00160; TOPMed 0.00188.
gnomAD v4.1: 217 of 157,636 alleles (0.14%); highest among the groups gnomAD compares: African/African-American, 0.47%; 1 homozygote.

Submissions (2):

Illumina Laboratory Services, Illumina
Classification: Benign for Optic atrophy 3. Last evaluated: 2018-01-12. Review status: criteria provided, single submitter. Criteria: ICSL Variant Classification Criteria 13 December 2019. Collection method: clinical testing. Allele origin: germline.
Comment: This variant was observed in the ICSL laboratory as part of a predisposition screen in an ostensibly healthy population. It had not been previously curated by ICSL or reported in the Human Gene Mutation Database (HGMD: prior to June 1st, 2018), and was therefore a candidate for classification through an automated scoring system. Utilizing variant allele frequency, disease prevalence and penetrance estimates, and inheritance mode, an automated score was calculated to assess if this variant is too frequent to cause the disease. Based on the score and internal cut-off values, a variant classified as benign is not then subjected to further curation. The score for this variant resulted in a classification of benign for this disease.

Illumina Laboratory Services, Illumina
Classification: Uncertain significance for 3-Methylglutaconic aciduria type 3. Last evaluated: 2018-01-12. Review status: criteria provided, single submitter. Criteria: ICSL Variant Classification Criteria 13 December 2019. Collection method: clinical testing. Allele origin: germline.

NM_025136.4(OPA3):c.*2008C>T

Genes: OPA3 (outer mitochondrial membrane lipid metabolism regulator OPA3; minus strand), OPA3-RTN2 (OPA3-RTN2 readthrough; minus strand). Cytogenetic location: 19q13.32.
Variant type: single nucleotide variant.
Coding change: c.*2008C>T on transcript NM_025136.4 (MANE Select); 2008 bases downstream of the stop codon, C replaced by T.
Molecular consequence: 3 prime UTR variant. On other transcripts: intron variant (1).
Genome position (GRCh38, 1-based): chr19:45,551,506, G>A on the plus strand (C>T on the coding strand, the complement: OPA3 is on the minus strand). VCF-style: chr19-45551506-G-A. GRCh37 (hg19) VCF-style: chr19-46054764-G-A.
Other names: c.143-22050C>T (NM_001017989.3).
Identifiers: ClinVar variation 329646 (VCV000329646.5), dbSNP rs144432336, ClinGen allele CA10652585.
Genomic context (GRCh38, chr19:45,551,506, plus strand): 5'-GCCCTAAATGCAATGACAGGTGTTCTTGTAAGAGACAAAATAGAAGAGGGAAAAGGCCAT[G>A]TGAAGCTGCAGGCAGAGCCAAGGAAGGCCTGGAATCACCAGGAGCTGGAAGAGGGAGCGT-3'